The following is an entry in ClinVar:

NC_000017.10:g.(?_80847524)_(80881629_?)del

Gene: TBCD (tubulin folding cofactor D). Cytogenetic location: 17q25.3.
Variant type: Deletion.
Identifiers: ClinVar variation 3243170 (VCV003243170.1).

ClinVar aggregate classification (germline): Pathogenic (1 of 4 stars; one submission).

Submission:

Labcorp Genetics (formerly Invitae), Labcorp
Classification: Pathogenic. Last evaluated: 2023-01-06. Review status: criteria provided, single submitter. Criteria: Invitae Variant Classification Sherloc (09022015). Collection method: clinical testing. Allele origin: unknown.
Comment: For these reasons, this variant has been classified as Pathogenic. This variant has not been reported in the literature in individuals affected with TBCD-related conditions. This variant is a gross deletion of the genomic region encompassing exon(s) 16-26 of the TBCD gene. This deletion is out-of-frame, and is expected to create a premature termination codon and result in an absent or disrupted protein product. Loss-of-function variants in TBCD are known to be pathogenic (PMID: 27666370, 27666374).

Literature cited by the submitters: PubMed 27666370; PubMed 27666374.